The following is an entry in ClinVar:

NM_020320.5(RARS2):c.878+19T>G

Gene: RARS2 (arginyl-tRNA synthetase 2, mitochondrial; minus strand). Cytogenetic location: 6q15.
Variant type: single nucleotide variant.
Coding change: c.878+19T>G on transcript NM_020320.5 (MANE Select); 19 bases into the intron after coding-DNA position 878, T replaced by G.
Molecular consequence: intron variant.
Genome position (GRCh38, 1-based): chr6:87,529,523, A>C on the plus strand (T>G on the coding strand, the complement: RARS2 is on the minus strand). VCF-style: chr6-87529523-A-C. GRCh37 (hg19) VCF-style: chr6-88239241-A-C.
Other names: c.878+19T>G (NM_001350505.2); c.353+19T>G (NM_001350509.2, NM_001318785.2, NM_001350506.2 and 4 more transcripts).
Identifiers: ClinVar variation 138895 (VCV000138895.9), dbSNP rs188700495, ClinGen allele CA293072.

ClinVar aggregate classification (germline): Benign. Review status: criteria provided, multiple submitters, no conflicts (2 of 4 stars). 2 submissions from 2 submitters: Benign (2). Last evaluated 2026-01-28.

Allele frequency attached by ClinVar (database versions not stated): 1000 Genomes Project 30x 0.00156; 1000 Genomes Project 0.00160; TOPMed 0.00166; ESP Exome Variant Server 0.00216; gnomAD exomes 0.00300 and 0.00395; gnomAD 0.00342 and 0.00361; ExAC 0.00433.
gnomAD v4.1: 4,209 of 1,397,740 alleles (0.3%); highest among the groups gnomAD compares: Non-Finnish European, 0.27%; 32 homozygotes.

Submissions (2):

Labcorp Genetics (formerly Invitae), Labcorp
Classification: Benign. Last evaluated: 2026-01-28. Review status: criteria provided, single submitter. Criteria: Invitae Variant Classification Sherloc (09022015). Collection method: clinical testing. Allele origin: germline.

GeneDx
Classification: Benign. Last evaluated: 2013-04-08. Review status: criteria provided, single submitter. Criteria: GeneDx Variant Classification (06012015). Collection method: clinical testing. Allele origin: germline. Affected: yes.
Comment: This variant is considered likely benign or benign based on one or more of the following criteria: it is a conservative change, it occurs at a poorly conserved position in the protein, it is predicted to be benign by multiple in silico algorithms, and/or has population frequency not consistent with disease.